The following is an entry in ClinVar:

NM_002184.4(IL6ST):c.1558T>G (p.Ser520Ala)

Gene: IL6ST (interleukin 6 cytokine family signal transducer; minus strand). Cytogenetic location: 5q11.2.
Variant type: single nucleotide variant.
Coding change: c.1558T>G on transcript NM_002184.4 (MANE Select); coding-DNA position 1558, T replaced by G.
Protein change: p.Ser520Ala; replaces serine 520 with alanine.
Molecular consequence: missense variant. On other transcripts: 3 prime UTR variant (1), non-coding transcript variant (2).
Genome position (GRCh38, 1-based): chr5:55,952,070, A>C on the plus strand (T>G on the coding strand, the complement: IL6ST is on the minus strand). VCF-style: chr5-55952070-A-C. GRCh37 (hg19) VCF-style: chr5-55247898-A-C.
Other names: c.1375T>G, p.Ser459Ala (NM_001190981.2); c.1456T>G, p.Ser486Ala (NM_001364275.2); c.1348T>G, p.Ser450Ala (NM_001364276.2); c.691T>G, p.Ser231Ala (NM_001364277.2); c.655T>G, p.Ser219Ala (NM_001364278.2); c.562T>G, p.Ser188Ala (NM_001364279.2); c.*485T>G (NM_175767.3); short protein forms S231A, S188A, S520A, S219A, S450A, S459A, S486A.
Identifiers: ClinVar variation 1994040 (VCV001994040.4), dbSNP rs2533482393, ClinGen allele CA359762362.

ClinVar aggregate classification (germline): Uncertain significance (1 of 4 stars; one submission).

Submission:

Labcorp Genetics (formerly Invitae), Labcorp
Classification: Uncertain significance. Last evaluated: 2022-08-23. Review status: criteria provided, single submitter. Criteria: Invitae Variant Classification Sherloc (09022015). Collection method: clinical testing. Allele origin: germline.
Comment: This sequence change replaces serine, which is neutral and polar, with alanine, which is neutral and non-polar, at codon 520 of the IL6ST protein (p.Ser520Ala). This variant is not present in population databases (gnomAD no frequency). This variant has not been reported in the literature in individuals affected with IL6ST-related conditions. Algorithms developed to predict the effect of missense changes on protein structure and function output the following: SIFT: "Tolerated"; PolyPhen-2: "Benign"; Align-GVGD: "Class C0". The alanine amino acid residue is found in multiple mammalian species, which suggests that this missense change does not adversely affect protein function. In summary, the available evidence is currently insufficient to determine the role of this variant in disease. Therefore, it has been classified as a Variant of Uncertain Significance.